The following is an entry in ClinVar:

NM_005732.4(RAD50):c.3239G>T (p.Gly1080Val)

Gene: RAD50 (RAD50 double strand break repair protein; plus strand). Cytogenetic location: 5q31.1.
Variant type: single nucleotide variant.
Coding change: c.3239G>T on transcript NM_005732.4 (MANE Select); coding-DNA position 3239, G replaced by T.
Protein change: p.Gly1080Val; replaces glycine 1080 with valine.
Molecular consequence: missense variant.
Genome position (GRCh38, 1-based): chr5:132,618,144, G>T. VCF-style: chr5-132618144-G-T. GRCh37 (hg19) VCF-style: chr5-131953836-G-T.
Other names: short protein forms G1080V.
Identifiers: ClinVar variation 935164 (VCV000935164.11), dbSNP rs1751210842, ClinGen allele CA360964449.

ClinVar aggregate classification (germline): Uncertain significance. Review status: criteria provided, multiple submitters, no conflicts (2 of 4 stars). 2 submissions from 2 submitters: Uncertain significance (2). Last evaluated 2025-02-19.

Conditions:
Hereditary cancer-predisposing syndrome. Also called: Tumor predisposition; Hereditary neoplastic syndrome; Hereditary Cancer Syndrome; Neoplastic Syndromes, Hereditary. Identifiers: Orphanet 140162, MedGen C0027672, MeSH D009386, MONDO:0015356.

Submissions (2):

Ambry Genetics
Classification: Uncertain significance for Hereditary cancer-predisposing syndrome. Last evaluated: 2025-02-19. Review status: criteria provided, single submitter. Criteria: Ambry Variant Classification Scheme 2023. Collection method: clinical testing. Allele origin: germline.
Comment: The p.G1080V variant (also known as c.3239G>T), located in coding exon 21 of the RAD50 gene, results from a G to T substitution at nucleotide position 3239. The glycine at codon 1080 is replaced by valine, an amino acid with dissimilar properties. This amino acid position is conserved. In addition, this alteration is predicted to be deleterious by in silico analysis. Based on the available evidence, the clinical significance of this variant remains unclear.

Labcorp Genetics (formerly Invitae), Labcorp
Classification: Uncertain significance for Hereditary cancer-predisposing syndrome. Last evaluated: 2019-07-24. Review status: criteria provided, single submitter. Criteria: Invitae Variant Classification Sherloc (09022015). Collection method: clinical testing. Allele origin: germline.
Comment: In summary, the available evidence is currently insufficient to determine the role of this variant in disease. Therefore, it has been classified as a Variant of Uncertain Significance. Algorithms developed to predict the effect of missense changes on protein structure and function are either unavailable or do not agree on the potential impact of this missense change (SIFT: "Tolerated"; PolyPhen-2: "Probably Damaging"; Align-GVGD: "Class C0"). This variant has not been reported in the literature in individuals with RAD50-related conditions. This variant is not present in population databases (ExAC no frequency). This sequence change replaces glycine with valine at codon 1080 of the RAD50 protein (p.Gly1080Val). The glycine residue is moderately conserved and there is a moderate physicochemical difference between glycine and valine.